The following is an entry in ClinVar:

ClinVar aggregate classification (germline): Uncertain significance (1 of 4 stars; one submission).

Conditions:
Charcot-Marie-Tooth disease axonal type 2O. Also called: Charcot-Marie-Tooth Neuropathy Type 2O; CHARCOT-MARIE-TOOTH NEUROPATHY, AXONAL, TYPE 2O; CHARCOT-MARIE-TOOTH DISEASE, AXONAL, AUTOSOMAL DOMINANT, TYPE 2O; Charcot-Marie-Tooth disease, axonal, type 20. Identifiers: Orphanet 284232, MedGen C3280220, MONDO:0013644, OMIM 614228.

Submission:

Labcorp Genetics (formerly Invitae), Labcorp
Classification: Uncertain significance for Charcot-Marie-Tooth disease axonal type 2O. Last evaluated: 2018-08-09. Review status: criteria provided, single submitter. Criteria: Invitae Variant Classification Sherloc (09022015). Collection method: clinical testing. Allele origin: germline.
Comment: Algorithms developed to predict the effect of missense changes on protein structure and function are either unavailable or do not agree on the potential impact of this missense change (SIFT: "Deleterious"; PolyPhen-2: "Benign"; Align-GVGD: "Class C65"). This sequence change replaces glycine with arginine at codon 2119 of the DYNC1H1 protein (p.Gly2119Arg). The glycine residue is highly conserved and there is a moderate physicochemical difference between glycine and arginine. This variant is not present in population databases (ExAC no frequency). This variant has not been reported in the literature in individuals with DYNC1H1-related disease. In summary, the available evidence is currently insufficient to determine the role of this variant in disease. Therefore, it has been classified as a Variant of Uncertain Significance.

NM_001376.5(DYNC1H1):c.6355G>C (p.Gly2119Arg)

Gene: DYNC1H1 (dynein cytoplasmic 1 heavy chain 1; plus strand). Cytogenetic location: 14q32.31.
Variant type: single nucleotide variant.
Coding change: c.6355G>C on transcript NM_001376.5 (MANE Select); coding-DNA position 6355, G replaced by C.
Protein change: p.Gly2119Arg; replaces glycine 2119 with arginine.
Molecular consequence: missense variant.
Genome position (GRCh38, 1-based): chr14:102,010,409, G>C. VCF-style: chr14-102010409-G-C. GRCh37 (hg19) VCF-style: chr14-102476746-G-C.
Other names: short protein forms G2119R.
Identifiers: ClinVar variation 643082 (VCV000643082.8), dbSNP rs1595614266, ClinGen allele CA391054809.